The following is an entry in ClinVar:

ClinVar aggregate classification (germline): Uncertain significance. Review status: criteria provided, multiple submitters, no conflicts (2 of 4 stars). 2 submissions from 2 submitters: Uncertain significance (2). Last evaluated 2023-10-29.

Conditions:
Inborn genetic diseases. Identifiers: MedGen C0950123, MeSH D030342.

Allele frequency attached by ClinVar (database versions not stated): ExAC 0.00003; gnomAD 0.00003; gnomAD exomes 0.00005; TOPMed 0.00006.
gnomAD v4.1: 83 of 1,610,416 alleles (0.0052%); highest among the groups gnomAD compares: Non-Finnish European, 0.0068%; no homozygotes.

Submissions (2):

Labcorp Genetics (formerly Invitae), Labcorp
Classification: Uncertain significance. Last evaluated: 2023-10-29. Review status: criteria provided, single submitter. Criteria: Invitae Variant Classification Sherloc (09022015). Collection method: clinical testing. Allele origin: germline.
Comment: This sequence change replaces threonine, which is neutral and polar, with proline, which is neutral and non-polar, at codon 104 of the GPX4 protein (p.Thr104Pro). This variant is present in population databases (rs772198561, gnomAD 0.008%). This variant has not been reported in the literature in individuals affected with GPX4-related conditions. ClinVar contains an entry for this variant (Variation ID: 2524155). Experimental studies and prediction algorithms are not available or were not evaluated, and the functional significance of this variant is currently unknown. In summary, the available evidence is currently insufficient to determine the role of this variant in disease. Therefore, it has been classified as a Variant of Uncertain Significance.

Ambry Genetics
Classification: Uncertain significance for Inborn genetic diseases. Last evaluated: 2023-06-06. Review status: criteria provided, single submitter. Criteria: Ambry Variant Classification Scheme 2023. Collection method: clinical testing. Allele origin: germline.

NM_002085.5(GPX4):c.199A>C (p.Thr67Pro)

Gene: GPX4 (glutathione peroxidase 4; plus strand). Cytogenetic location: 19p13.3.
Variant type: single nucleotide variant.
Coding change: c.199A>C on transcript NM_002085.5 (MANE Select); coding-DNA position 199, A replaced by C.
Protein change: p.Thr67Pro; replaces threonine 67 with proline.
Molecular consequence: missense variant.
Genome position (GRCh38, 1-based): chr19:1,105,385, A>C. VCF-style: chr19-1105385-A-C. GRCh37 (hg19) VCF-style: chr19-1105384-A-C.
Other names: c.199A>C, p.Thr67Pro (NM_001039847.3); c.310A>C, p.Thr104Pro (NM_001039848.4); c.118A>C, p.Thr40Pro (NM_001367832.1); short protein forms T67P, T104P, T40P.
Identifiers: ClinVar variation 2524155 (VCV002524155.5), dbSNP rs772198561, ClinGen allele CA9037236.
Genomic context (GRCh38, chr19:1,105,385, plus strand): 5'-GGGGCCGTGTTCTTCTGCGCTGACGCCGCCGATCCTCGCAGGGGCTTCGTGTGCATCGTC[A>C]CCAACGTGGCCTCCCAGTGAGGCAAGACCGAAGTAAACTACACTCAGCTCGTCGACCTGC-3'
Protein context (NP_002076.2, residues 57-77): DKYRGFVCIV[Thr67Pro]NVASQUGKTE